The following is an entry in ClinVar:

NM_000642.3(AGL):c.959-61_965dup

Gene: AGL (amylo-alpha-1, 6-glucosidase, 4-alpha-glucanotransferase; plus strand). Cytogenetic location: 1p21.2.
Variant type: Duplication.
Coding change: c.959-61_965dup on transcript NM_000642.3 (MANE Select); 61 bases into the intron before coding-DNA position 959 through coding-DNA position 965, 68 bases duplicated.
Molecular consequence: splice acceptor variant.
Genome position (GRCh38, 1-based): chr1:99,874,626-99,874,693, 68 bases duplicated. GRCh37 (hg19): chr1:100,340,182-100,340,249.
Other names: p.(Arg322Serfs*13); c.959-61_965dup68 (NM_000642.3); c.959-61_965dup (NM_000643.3, NM_000644.3, NM_001425326.1 and 3 more transcripts); c.911-61_917dup (NM_000646.3); c.755-61_761dup (NM_001425328.1, NM_001425329.1); c.581-61_587dup (NM_001425332.1).
Identifiers: ClinVar variation 1691429 (VCV001691429.5), dbSNP rs1553185268, ClinGen allele CA2573132629.

ClinVar aggregate classification (germline): Likely pathogenic (1 of 4 stars; one submission).

Submission:

Mayo Clinic Laboratories, Mayo Clinic
Classification: Likely pathogenic. Last evaluated: 2021-06-10. Review status: criteria provided, single submitter. Criteria: ACMG Guidelines, 2015. Collection method: clinical testing. Allele origin: germline.
Comment: PVS1, PM2